The following is an entry in ClinVar:

ClinVar aggregate classification (germline): Benign (1 of 4 stars; one submission).

Conditions:
Hereditary diffuse leukoencephalopathy with spheroids. Also called: LEUKOENCEPHALOPATHY, ADULT-ONSET, WITH AXONAL SPHEROIDS AND PIGMENTED GLIA. Identifiers: Orphanet 313808, MedGen C3711381, MONDO:0030796.

Allele frequency attached by ClinVar (database versions not stated): gnomAD exomes 0.00371 and 0.00188; 1000 Genomes Project 0.00519; ExAC 0.00524; gnomAD 0.00003 and 0.00109; TOPMed 0.00021; 1000 Genomes Project 30x 0.00625.
gnomAD v4.1: 2,911 of 1,602,236 alleles (0.18%); highest among the groups gnomAD compares: South Asian, 3.1%; 65 homozygotes.

Submission:

Illumina Laboratory Services, Illumina
Classification: Benign for Leukoencephalopathy, diffuse hereditary, with spheroids 1. Last evaluated: 2018-01-13. Review status: criteria provided, single submitter. Criteria: ICSL Variant Classification Criteria 13 December 2019. Collection method: clinical testing. Allele origin: germline.
Comment: This variant was observed in the ICSL laboratory as part of a predisposition screen in an ostensibly healthy population. It had not been previously curated by ICSL or reported in the Human Gene Mutation Database (HGMD: prior to June 1st, 2018), and was therefore a candidate for classification through an automated scoring system. Utilizing variant allele frequency, disease prevalence and penetrance estimates, and inheritance mode, an automated score was calculated to assess if this variant is too frequent to cause the disease. Based on the score and internal cut-off values, a variant classified as benign is not then subjected to further curation. The score for this variant resulted in a classification of benign for this disease.

NM_001288705.3(CSF1R):c.-25T>A

Genes: CSF1R (colony stimulating factor 1 receptor; minus strand), LOC111188156 (CSF1R promoter/intronic regulatory region; plus strand). Cytogenetic location: 5q32.
Variant type: single nucleotide variant.
Coding change: c.-25T>A on transcript NM_001288705.3 (MANE Select); 25 bases upstream of the start codon, T replaced by A.
Molecular consequence: 5 prime UTR variant. On other transcripts: non-coding transcript variant (1), intron variant (1).
Genome position (GRCh38, 1-based): chr5:150,086,452, A>T on the plus strand (T>A on the coding strand, the complement: CSF1R is on the minus strand). VCF-style: chr5-150086452-A-T. GRCh37 (hg19) VCF-style: chr5-149466015-A-T.
Other names: c.-25T>A (NM_001349736.2, NM_001375320.1, NM_005211.4); c.-395-5428T>A (NM_001375321.1).
Identifiers: ClinVar variation 352181 (VCV000352181.5), dbSNP rs375640786, ClinGen allele CA3507327.
Genomic context (GRCh38, chr5:150,086,452, plus strand): 5'-GGCCACCAGCAGGAGCAGCAGAACTCCTGGGCCCATGGCCTCGGTGGGGAAGTGGCAGGC[A>T]GGTGCAGGGCTGCAAGGTGCCCAGGGCACAGAGCTCTCAGCTACTAGCTCCGCAGGGATC-3'